The following is an entry in ClinVar:

NM_001206927.2(DNAH8):c.3130_3132del (p.Lys1044del)

Gene: DNAH8 (dynein axonemal heavy chain 8; plus strand). Cytogenetic location: 6p21.2.
Variant type: Deletion.
Coding change: c.3130_3132del on transcript NM_001206927.2 (MANE Select); coding-DNA positions 3130 to 3132, 3 bases deleted (AAA; older notation c.3130_3132delAAA).
Protein change: p.Lys1044del; deletes lysine 1044.
Molecular consequence: inframe deletion.
Genome position (GRCh38, 1-based): chr6:38,805,576-38,805,578, AAA deleted. VCF-style (leftmost placement, unchanged base first): chr6-38805575-TAAA-T. GRCh37 (hg19) VCF-style: chr6-38773351-TAAA-T.
Other names: c.2479_2481del, p.Lys827del (NM_001371.4); short protein forms K1044del, K827del.
Identifiers: ClinVar variation 525308 (VCV000525308.8), dbSNP rs763247724, ClinGen allele CA3788731.
Genomic context (GRCh38, chr6:38,805,575, plus strand): 5'-AGGAGAGGGTGAAAACAATGACTATGAAGCTAATATTGTGAATGAGTTTGATACTCATGA[TAAA>T]GAAGATGAATTTAAAAAGGTATTTATTGTGGAACAACTTCATGCAATTCACAGAATTATG-3'

ClinVar aggregate classification (germline): Uncertain significance (1 of 4 stars; one submission).

Conditions:
Primary ciliary dyskinesia. Also called: Ciliary dyskinesia. Identifiers: Orphanet 244, MedGen C0008780, MONDO:0016575, HP:0012265.

Allele frequency attached by ClinVar (database versions not stated): gnomAD exomes 0.00001 and 0.00004; ExAC 0.00003; TOPMed 0.00006; gnomAD 0.00007.

Submission:

Labcorp Genetics (formerly Invitae), Labcorp
Classification: Uncertain significance for Primary ciliary dyskinesia. Last evaluated: 2025-02-17. Review status: criteria provided, single submitter. Criteria: Invitae Variant Classification Sherloc (09022015). Collection method: clinical testing. Allele origin: germline.
Comment: This variant, c.3130_3132del, results in the deletion of 1 amino acid(s) of the DNAH8 protein (p.Lys1044del), but otherwise preserves the integrity of the reading frame. This variant is present in population databases (rs763247724, gnomAD 0.03%). This variant has not been reported in the literature in individuals affected with DNAH8-related conditions. ClinVar contains an entry for this variant (Variation ID: 525308). Experimental studies and prediction algorithms are not available or were not evaluated, and the functional significance of this variant is currently unknown. In summary, the available evidence is currently insufficient to determine the role of this variant in disease. Therefore, it has been classified as a Variant of Uncertain Significance.